The following is an entry in ClinVar:

ClinVar aggregate classification (germline): Uncertain significance. Review status: criteria provided, single submitter (1 of 4 stars). 2 submissions from 2 submitters: Uncertain significance (1). 1 of the submissions does not count toward it. Last evaluated 2024-03-05.

Conditions:
KIF23-related disorder. Also called: KIF23-related condition.

Allele frequency attached by ClinVar (database versions not stated): TOPMed below 0.00001; gnomAD 0.00001.
gnomAD v4.1: 17 of 1,612,786 alleles (0.0011%); highest among the groups gnomAD compares: Non-Finnish European, 0.0011%; no homozygotes.

Submissions (2):

Blueprint Genetics
Classification: Uncertain significance. Last evaluated: 2024-03-05. Review status: criteria provided, single submitter. Criteria: ACMG Guidelines, 2015. Collection method: clinical testing. Allele origin: germline.

PreventionGenetics, part of Exact Sciences
Classification: Uncertain significance for KIF23-related condition. Last evaluated: 2023-11-08. Review status: no assertion criteria provided. Collection method: clinical testing. Allele origin: germline. Not counted in ClinVar's aggregate classification.
Comment: The KIF23 c.1281G>A variant is predicted to result in the amino acid substitution p.Met427Ile. To our knowledge, this variant has not been reported in the literature. This variant is reported in 0.0018% of alleles in individuals of European (Non-Finnish) descent in gnomAD. At this time, the clinical significance of this variant is uncertain due to the absence of conclusive functional and genetic evidence.

NM_001367805.3(KIF23):c.1323G>A (p.Met441Ile)

Gene: KIF23 (kinesin family member 23; plus strand). Cytogenetic location: 15q23.
Variant type: single nucleotide variant.
Coding change: c.1323G>A on transcript NM_001367805.3 (MANE Select); coding-DNA position 1323, G replaced by A.
Protein change: p.Met441Ile; replaces methionine 441 with isoleucine.
Molecular consequence: missense variant. On other transcripts: non-coding transcript variant (2).
Genome position (GRCh38, 1-based): chr15:69,436,146, G>A. VCF-style: chr15-69436146-G-A. GRCh37 (hg19) VCF-style: chr15-69728485-G-A.
Other names: c.951G>A, p.Met317Ile (NM_001281301.2); c.1281G>A, p.Met427Ile (NM_001367804.2, NM_004856.7, NM_138555.4); short protein forms M317I, M427I, M441I.
Identifiers: ClinVar variation 3048864 (VCV003048864.3), dbSNP rs149564859, ClinGen allele CA7635153.